The following is an entry in ClinVar:

NM_006767.4(LZTR1):c.1559C>G (p.Pro520Arg)

Gene: LZTR1 (leucine zipper like post translational regulator 1; plus strand). Cytogenetic location: 22q11.21.
Variant type: single nucleotide variant.
Coding change: c.1559C>G on transcript NM_006767.4 (MANE Select); coding-DNA position 1559, C replaced by G.
Protein change: p.Pro520Arg; replaces proline 520 with arginine.
Molecular consequence: missense variant.
Genome position (GRCh38, 1-based): chr22:20,994,213, C>G. VCF-style: chr22-20994213-C-G. GRCh37 (hg19) VCF-style: chr22-21348502-C-G.
Other names: short protein forms P520R.
Identifiers: ClinVar variation 4101847 (VCV004101847.1).

ClinVar aggregate classification (germline): Uncertain significance (1 of 4 stars; one submission).

Conditions:
Cardiovascular phenotype. Identifiers: MedGen CN230736.
Hereditary cancer-predisposing syndrome. Also called: Tumor predisposition; Neoplastic Syndromes, Hereditary; Hereditary neoplastic syndrome; Hereditary Cancer Syndrome. Identifiers: Orphanet 140162, MedGen C0027672, MeSH D009386, MONDO:0015356.

Submission:

Ambry Genetics
Classification: Uncertain significance for Cardiovascular phenotype; Hereditary cancer-predisposing syndrome. Last evaluated: 2025-07-21. Review status: criteria provided, single submitter. Criteria: Ambry Variant Classification Scheme 2023. Collection method: clinical testing. Allele origin: germline.
Comment: The p.P520R variant (also known as c.1559C>G), located in coding exon 14 of the LZTR1 gene, results from a C to G substitution at nucleotide position 1559. The proline at codon 520 is replaced by arginine, an amino acid with dissimilar properties. This amino acid position is highly conserved in available vertebrate species. In addition, this alteration is predicted to be deleterious by in silico analysis. Based on the available evidence, the clinical significance of this variant remains unclear.